The following is an entry in ClinVar:

NM_001267550.2(TTN):c.33770C>T (p.Pro11257Leu)

Gene: TTN (titin; minus strand). Cytogenetic location: 2q31.2.
Variant type: single nucleotide variant.
Coding change: c.33770C>T on transcript NM_001267550.2 (MANE Select); coding-DNA position 33770, C replaced by T.
Protein change: p.Pro11257Leu; replaces proline 11257 with leucine.
Molecular consequence: missense variant. On other transcripts: intron variant (3).
Genome position (GRCh38, 1-based): chr2:178,678,803, G>A on the plus strand (C>T on the coding strand, the complement: TTN is on the minus strand). VCF-style: chr2-178678803-G-A. GRCh37 (hg19) VCF-style: chr2-179543530-G-A.
Other names: c.13658-36486C>T (NM_133432.3); c.32819C>T, p.Pro10940Leu (NM_001256850.1); c.30038C>T, p.Pro10013Leu (NM_133378.4); c.13283-36486C>T (NM_003319.4); c.13859-36486C>T (NM_133437.4); short protein forms P10013L, P10940L, P11257L.
Identifiers: ClinVar variation 2635157 (VCV002635157.1), dbSNP rs1303060690, ClinGen allele CA349533523.
Genomic context (GRCh38, chr2:178,678,803, plus strand): 5'-GTACCTTTGGCAGGTGGAGCTTCCACCTTTTTAGGAACTGGTACTGGTACTTTCTCCTCT[G>A]GCACAGGTTTCTTGGGCACTTCAGGAACTTCAAAGATATCAAATAGAGTTAGTGTCACAT-3'
Protein context (NP_001254479.2, residues 11247-11267): KVPEVPKKPV[Pro11257Leu]EEKVPVPVPK

ClinVar aggregate classification (germline): Uncertain significance (1 of 4 stars; one submission).

Conditions:
TTN-related disorder. Also called: TTN-related condition; TTN-related disease; TTN-related disorders.

Allele frequency attached by ClinVar (database versions not stated): gnomAD 0.00001; TOPMed below 0.00001.
gnomAD v4.1: 1 of 1,602,506 alleles (0.000062%); highest among the groups gnomAD compares: African/African-American, 0.0014%; no homozygotes.

Submission:

PreventionGenetics, part of Exact Sciences
Classification: Uncertain significance for TTN-related condition. Last evaluated: 2023-09-05. Review status: criteria provided, single submitter. Criteria: ACMG Guidelines, 2015. Collection method: clinical testing. Allele origin: germline.
Comment: The TTN c.33770C>T variant is predicted to result in the amino acid substitution p.Pro11257Leu. To our knowledge, this variant has not been reported in the literature or in a large population database, indicating this variant is rare. At this time, the clinical significance of this variant is uncertain due to the absence of conclusive functional and genetic evidence.